The following is an entry in ClinVar:

ClinVar aggregate classification (germline): Pathogenic/Likely pathogenic. Review status: criteria provided, multiple submitters, no conflicts (2 of 4 stars). 5 submissions from 5 submitters: Pathogenic (3); Likely pathogenic (1). 1 of the submissions does not count toward it. Last evaluated 2024-04-28.

Conditions:
Desbuquois dysplasia 1 (DBQD1). Also called: MICROMELIC DWARFISM WITH VERTEBRAL AND METAPHYSEAL ABNORMALITIES AND ADVANCED CARPOTARSAL OSSIFICATION; DESBUQUOIS DYSPLASIA 1, KIM VARIANT. Identifiers: Orphanet 1425, MedGen C4012146, MONDO:0009629, OMIM 251450.
Epiphyseal dysplasia, multiple, 7. Identifiers: Orphanet 647676, MedGen C4540251, MONDO:0054680, OMIM 617719.

Allele frequency attached by ClinVar (database versions not stated): gnomAD exomes 0.00002 and 0.00003; TOPMed 0.00004; gnomAD 0.00006.

Submissions (5):

Fulgent Genetics
Classification: Pathogenic for Desbuquois dysplasia 1; Epiphyseal dysplasia, multiple, 7. Last evaluated: 2024-04-28. Review status: criteria provided, single submitter. Criteria: ACMG Guidelines, 2015. Collection method: clinical testing. Allele origin: germline.

Labcorp Genetics (formerly Invitae), Labcorp
Classification: Pathogenic. Last evaluated: 2024-03-16. Review status: criteria provided, single submitter. Criteria: Invitae Variant Classification Sherloc (09022015). Collection method: clinical testing. Allele origin: germline.
Comment: This sequence change creates a premature translational stop signal (p.Trp77Leufs*13) in the CANT1 gene. It is expected to result in an absent or disrupted protein product. Loss-of-function variants in CANT1 are known to be pathogenic (PMID: 19853239, 21037275, 22539336). The frequency data for this variant in the population databases is considered unreliable, as metrics indicate poor data quality at this position in the gnomAD database. This premature translational stop signal has been observed in individual(s) with Desbuquois dysplasia (PMID: 21037275, 21654728). ClinVar contains an entry for this variant (Variation ID: 31014). For these reasons, this variant has been classified as Pathogenic.

GeneDx
Classification: Pathogenic. Last evaluated: 2023-09-01. Review status: criteria provided, single submitter. Criteria: GeneDx Variant Classification Process June 2021. Collection method: clinical testing. Allele origin: germline. Affected: yes.
Comment: Frameshift variant predicted to result in protein truncation or nonsense mediated decay in a gene for which loss of function is a known mechanism of disease; This variant is associated with the following publications: (PMID: 21037275, 34602954, 20358610, 21654728, 31847883)

Illumina Laboratory Services, Illumina
Classification: Likely pathogenic for Desbuquois dysplasia 1. Last evaluated: 2017-04-28. Review status: criteria provided, single submitter. Criteria: ICSL Variant Classification Criteria 09 May 2019. Collection method: clinical testing. Allele origin: germline.
Comment: The CANT1 c.228dupC (p.Trp77LeufsTer13) variant results in a frameshift, and is predicted to result in premature termination of the protein. The p.Trp77LeufsTer13 has been reported in two studies and found in a total of three individuals affected with Desbuquois dysplasia, including one in a homozygous state and two in a compound heterozygous state (Furuichi et al. 2011; Laccone et al. 2011). The variant was absent from 200 control individuals and is not found in the 1000 Genomes Project, the Exome Sequencing Project, Exome Aggregation Consortium, or the Genome Aggregation Database in a region of good sequence coverage so the variant is presumed to be rare. Based on the potential impact of frameshift variants and the evidence, the p.Trp77LeufsTer13 variant is classified as likely pathogenic for Desbuquois dysplasia. This variant was observed by ICSL as part of a predisposition screen in an ostensibly healthy population.

OMIM
Classification: Pathogenic for DESBUQUOIS DYSPLASIA 1. Last evaluated: 2011-11-01. Review status: no assertion criteria provided. Collection method: literature only. Allele origin: germline. Not counted in ClinVar's aggregate classification.

Literature cited by the submitters: PubMed 19853239 (cited by Labcorp Genetics (formerly Invitae), Labcorp); PubMed 21037275 (cited by 3 submitters); PubMed 22539336 (cited by Labcorp Genetics (formerly Invitae), Labcorp); PubMed 21654728 (cited by 3 submitters); PubMed 20358610 (cited by OMIM).

NM_001159773.2(CANT1):c.228dup (p.Trp77fs)

Gene: CANT1 (calcium activated nucleotidase 1; minus strand). Cytogenetic location: 17q25.3.
Variant type: Duplication.
Coding change: c.228dup on transcript NM_001159773.2 (MANE Select); coding-DNA position 228, one base duplicated (C; older notation c.228dupC).
Protein change: p.Trp77fs; shifts the reading frame from tryptophan 77.
Molecular consequence: frameshift variant.
Genome position (GRCh38, 1-based): chr17:78,997,395, G duplicated on the plus strand (C on the coding strand, the reverse complement: CANT1 is on the minus strand). VCF-style (leftmost placement, unchanged base first): chr17-78997394-A-AG. GRCh37 (hg19) VCF-style: chr17-76993476-A-AG.
Other names: c.228dup, p.Trp77fs (NM_001159772.2, NM_138793.4); c.228dupC (NM_138793.3); c.228dup (NM_138793.3); short protein forms W77fs.
Identifiers: ClinVar variation 31014 (VCV000031014.12), dbSNP rs587776896, ClinGen allele CA129620.